The following is an entry in ClinVar:

NM_032040.5(CCDC8):c.913G>C (p.Glu305Gln)

Gene: CCDC8 (coiled-coil domain containing 8; minus strand). Cytogenetic location: 19q13.32.
Variant type: single nucleotide variant.
Coding change: c.913G>C on transcript NM_032040.5 (MANE Select); coding-DNA position 913, G replaced by C.
Protein change: p.Glu305Gln; replaces glutamic acid 305 with glutamine.
Molecular consequence: missense variant.
Genome position (GRCh38, 1-based): chr19:46,411,898, C>G on the plus strand (G>C on the coding strand, the complement: CCDC8 is on the minus strand). VCF-style: chr19-46411898-C-G. GRCh37 (hg19) VCF-style: chr19-46915155-C-G.
Other names: c.913G>C (NM_032040.3); short protein forms E305Q.
Identifiers: ClinVar variation 2186682 (VCV002186682.2), dbSNP rs150848184, ClinGen allele CA9528585.

ClinVar aggregate classification (germline): Uncertain significance. Review status: criteria provided, multiple submitters, no conflicts (2 of 4 stars). 2 submissions from 2 submitters: Uncertain significance (2). Last evaluated 2024-04-01.

Conditions:
Inborn genetic diseases. Identifiers: MedGen C0950123, MeSH D030342.

Allele frequency attached by ClinVar (database versions not stated): ExAC 0.00004.
gnomAD v4.1: 144 of 1,613,506 alleles (0.0089%); highest among the groups gnomAD compares: Non-Finnish European, 0.011%; no homozygotes.

Submissions (2):

Ambry Genetics
Classification: Uncertain significance for Inborn genetic diseases. Last evaluated: 2024-04-01. Review status: criteria provided, single submitter. Criteria: Ambry Variant Classification Scheme 2023. Collection method: clinical testing. Allele origin: germline.

Labcorp Genetics (formerly Invitae), Labcorp
Classification: Uncertain significance. Last evaluated: 2022-06-19. Review status: criteria provided, single submitter. Criteria: Invitae Variant Classification Sherloc (09022015). Collection method: clinical testing. Allele origin: germline.
Comment: This sequence change replaces glutamic acid, which is acidic and polar, with glutamine, which is neutral and polar, at codon 305 of the CCDC8 protein (p.Glu305Gln). This variant is present in population databases (rs150848184, gnomAD 0.008%). This variant has not been reported in the literature in individuals affected with CCDC8-related conditions. Algorithms developed to predict the effect of missense changes on protein structure and function (SIFT, PolyPhen-2, Align-GVGD) all suggest that this variant is likely to be tolerated. In summary, the available evidence is currently insufficient to determine the role of this variant in disease. Therefore, it has been classified as a Variant of Uncertain Significance.